The following is an entry in ClinVar:

NM_001035.3(RYR2):c.8714G>A (p.Arg2905Lys)

Gene: RYR2 (ryanodine receptor 2; plus strand). Cytogenetic location: 1q43.
Variant type: single nucleotide variant.
Coding change: c.8714G>A on transcript NM_001035.3 (MANE Select); coding-DNA position 8714, G replaced by A.
Protein change: p.Arg2905Lys; replaces arginine 2905 with lysine.
Molecular consequence: missense variant.
Genome position (GRCh38, 1-based): chr1:237,674,219, G>A. VCF-style: chr1-237674219-G-A. GRCh37 (hg19) VCF-style: chr1-237837519-G-A.
Other names: short protein forms R2905K.
Identifiers: ClinVar variation 4756535 (VCV004756535.1).
Genomic context (GRCh38, chr1:237,674,219, plus strand): 5'-ATAGAGAAAAAGCACAGGACATCCTCAAGTTCTTGCAGATCAATGGATATGCTGTATCCA[G>A]GTAAAAGTACACATACCCTAAGTACACACTCTTTTCACAAGAGTGAATATTTAAATATCT-3'
Protein context (NP_001026.2, residues 2895-2915): FLQINGYAVS[Arg2905Lys]GFKDLELDTP

ClinVar aggregate classification (germline): Uncertain significance (1 of 4 stars; one submission).

Conditions:
Cardiomyopathy (CMYO). Also called: Cardiomyopathies. Identifiers: Orphanet 167848, MedGen C0878544, MONDO:0004994, HP:0001638. Inheritance: Various modes of inheritance.

Submission:

Color Diagnostics, LLC DBA Color Health
Classification: Uncertain significance for Cardiomyopathy. Last evaluated: 2025-09-08. Review status: criteria provided, single submitter. Criteria: ACMG Guidelines, 2015. Collection method: clinical testing. Allele origin: germline.
Comment: This missense variant replaces arginine with lysine at codon 2905 of the RYR2 protein. Computational prediction suggests that this variant may not impact protein structure and function. To our knowledge, functional studies have not been reported for this variant. This variant has not been reported in individuals affected with RYR2-related disorders in the literature. This variant has not been identified in the general population by the Genome Aggregation Database (gnomAD). The available evidence is insufficient to determine the role of this variant in disease conclusively. Therefore, this variant is classified as a Variant of Uncertain Significance.